The following is an entry in ClinVar:

ClinVar aggregate classification (germline): Likely benign. Review status: criteria provided, multiple submitters, no conflicts (2 of 4 stars). 2 submissions from 2 submitters: Likely benign (2). Last evaluated 2025-05-08.

Conditions:
COL5A1-related disorder. Also called: COL5A1-related condition.
Familial thoracic aortic aneurysm and aortic dissection (TAAD). Also called: Thoracic aortic aneurysms and dissections. Identifiers: Orphanet 91387, MedGen C4707243, MONDO:0019625.

Allele frequency attached by ClinVar (database versions not stated): gnomAD 0.00001; gnomAD exomes 0.00001; TOPMed 0.00001; ExAC 0.00002; ESP Exome Variant Server 0.00015.
gnomAD v4.1: 11 of 1,613,858 alleles (0.00068%); highest among the groups gnomAD compares: Non-Finnish European, 0.00093%; no homozygotes.

Submissions (2):

PreventionGenetics, part of Exact Sciences
Classification: Likely benign for COL5A1-related condition. Last evaluated: 2025-05-08. Review status: criteria provided, single submitter. Criteria: ACMG Guidelines, 2015. Collection method: clinical testing. Allele origin: germline.
Comment: This variant is classified as likely benign based on ACMG/AMP sequence variant interpretation guidelines (Richards et al. 2015 PMID: 25741868, with internal and published modifications).

Ambry Genetics
Classification: Likely benign for Familial thoracic aortic aneurysm and aortic dissection. Last evaluated: 2023-02-16. Review status: criteria provided, single submitter. Criteria: Ambry Variant Classification Scheme 2023. Collection method: clinical testing. Allele origin: germline.

NM_000093.5(COL5A1):c.1788G>T (p.Val596=)

Gene: COL5A1 (collagen type V alpha 1 chain; plus strand). Cytogenetic location: 9q34.3.
Variant type: single nucleotide variant.
Coding change: c.1788G>T on transcript NM_000093.5 (MANE Select); coding-DNA position 1788, G replaced by T.
Protein change: p.Val596=; no amino-acid change (valine 596 retained).
Molecular consequence: synonymous variant.
Genome position (GRCh38, 1-based): chr9:134,754,287, G>T. VCF-style: chr9-134754287-G-T. GRCh37 (hg19) VCF-style: chr9-137646133-G-T.
Other names: c.1788G>T, p.Val596= (NM_001278074.1).
Identifiers: ClinVar variation 2448290 (VCV002448290.3), dbSNP rs368129835, ClinGen allele CA5318974.
Genomic context (GRCh38, chr9:134,754,287, plus strand): 5'-AGAAAGGCGGACTCGCCACTGACCCTTTGTCTCTTACCCCTGGCAGGGTCCTCGAGGTGT[G>T]CAAGGCCCGCCTGGTCCGGCCGGGAAGCCCGGAAGACGGGTGAGTGGTGCGAGTGTGTGT-3'
Protein context (NP_000084.3, residues 586-606): GDVGPQGPRG[Val596=]QGPPGPAGKP